The following is an entry in ClinVar:

ClinVar aggregate classification (germline): Uncertain significance (1 of 4 stars; one submission).

Submission:

Dasa
Classification: Uncertain significance. Last evaluated: 2026-02-03. Review status: criteria provided, single submitter. Criteria: DASA Assertion Criteria. Collection method: clinical testing. Allele origin: germline.
Comment: NM_001127222.2(CACNA1A):c.3763A>G (p.Met1255Val) is a missense variant that results in the substitution of methionine with valine. The affected residue or protein region has prior evidence supporting clinical relevance. This variant is rare in population databases. Computational prediction algorithms are consistent with a deleterious effect. The currently available literature and clinical evidence are not sufficient to establish a definitive association between this variant and the reported condition. Therefore, this variant is classified as a variant of uncertain significance.

NM_001127222.2(CACNA1A):c.3763A>G (p.Met1255Val)

Gene: CACNA1A (calcium voltage-gated channel subunit alpha1 A; minus strand). Cytogenetic location: 19p13.13.
Variant type: single nucleotide variant.
Coding change: c.3763A>G on transcript NM_001127222.2 (MANE Select); coding-DNA position 3763, A replaced by G.
Protein change: p.Met1255Val; replaces methionine 1255 with valine.
Molecular consequence: missense variant.
Genome position (GRCh38, 1-based): chr19:13,283,326, T>C on the plus strand (A>G on the coding strand, the complement: CACNA1A is on the minus strand). VCF-style: chr19-13283326-T-C. GRCh37 (hg19) VCF-style: chr19-13394140-T-C.
Other names: c.3775A>G, p.Met1259Val (NM_000068.4, NM_023035.3); c.3766A>G, p.Met1256Val (NM_001127221.2, NM_001174080.2); short protein forms M1255V, M1256V, M1259V.
Identifiers: ClinVar variation 4883620 (VCV004883620.2).